The following is an entry in ClinVar:

NM_001142864.4(PIEZO1):c.985C>G (p.Leu329Val)

Genes: HSALR1 (HSP90AB1 associated lncRNA 1; plus strand), PIEZO1 (piezo type mechanosensitive ion channel component 1 (Er blood group); minus strand). Cytogenetic location: 16q24.3.
Variant type: single nucleotide variant.
Coding change: c.985C>G on transcript NM_001142864.4 (MANE Select); coding-DNA position 985, C replaced by G.
Protein change: p.Leu329Val; replaces leucine 329 with valine.
Molecular consequence: missense variant. On other transcripts: non-coding transcript variant (1).
Genome position (GRCh38, 1-based): chr16:88,737,969, G>C on the plus strand (C>G on the coding strand, the complement: PIEZO1 is on the minus strand). VCF-style: chr16-88737969-G-C. GRCh37 (hg19) VCF-style: chr16-88804377-G-C.
Other names: short protein forms L329V.
Identifiers: ClinVar variation 781344 (VCV000781344.18), dbSNP rs114507258, ClinGen allele CA8233155.

ClinVar aggregate classification (germline): Conflicting classifications of pathogenicity. Review status: criteria provided, conflicting classifications (1 of 4 stars). 5 submissions from 5 submitters: Uncertain significance (1); Benign (2); Likely benign (1). 1 of the submissions does not count toward it. Last evaluated 2026-01-15.

Conditions:
PIEZO1-related disorder. Also called: PIEZO1-related condition; PIEZO1-Related Disorders.

Allele frequency attached by ClinVar (database versions not stated): gnomAD exomes 0.00014 and 0.00046; 1000 Genomes Project 0.00100; 1000 Genomes Project 30x 0.00109; ExAC 0.00121; gnomAD 0.00179 and 0.00194; TOPMed 0.00218.

Submissions (5):

Labcorp Genetics (formerly Invitae), Labcorp
Classification: Benign. Last evaluated: 2026-01-15. Review status: criteria provided, single submitter. Criteria: Invitae Variant Classification Sherloc (09022015). Collection method: clinical testing. Allele origin: germline.

GeneDx
Classification: Uncertain significance. Last evaluated: 2025-11-24. Review status: criteria provided, single submitter. Criteria: GeneDx Variant Classification Process June 2021. Collection method: clinical testing. Allele origin: germline. Affected: yes.
Comment: Reported as a variant of uncertain significance in a fetus with an increased nuchal translucency (PMID: 36959127); In silico analysis suggests that this missense variant does not alter protein structure/function; This variant is associated with the following publications: (PMID: 36959127)

ARUP Laboratories, Molecular Genetics and Genomics, ARUP Laboratories
Classification: Likely benign. Last evaluated: 2025-06-06. Review status: criteria provided, single submitter. Criteria: ARUP Molecular Germline Variant Investigation Process 2024. Collection method: clinical testing. Allele origin: germline.

Breakthrough Genomics
Classification: Benign. Review status: criteria provided, single submitter. Criteria: ACMG Guidelines, 2015. Collection method: not provided. Allele origin: germline. Inheritance: Autosomal recessive inheritance. Affected: yes.

PreventionGenetics, part of Exact Sciences
Classification: Likely benign for PIEZO1-related condition. Last evaluated: 2021-08-18. Review status: no assertion criteria provided. Collection method: clinical testing. Allele origin: germline. Not counted in ClinVar's aggregate classification.
Comment: This variant is classified as likely benign based on ACMG/AMP sequence variant interpretation guidelines (Richards et al. 2015 PMID: 25741868, with internal and published modifications).